The following is an entry in ClinVar:

ClinVar aggregate classification (germline): Benign (1 of 4 stars; one submission).

Allele frequency attached by ClinVar (database versions not stated): TOPMed 0.21923; gnomAD 0.22204 and 0.22223; 1000 Genomes Project 0.23423; 1000 Genomes Project 30x 0.23782.
gnomAD v4.1: 33,564 of 151,744 alleles (22%); highest among the groups gnomAD compares: African/African-American, 30%; 3,891 homozygotes.

Submission:

GeneDx
Classification: Benign. Last evaluated: 2018-06-14. Review status: criteria provided, single submitter. Criteria: GeneDx Variant Classification (06012015). Collection method: clinical testing. Allele origin: germline. Affected: yes.
Comment: This variant is considered likely benign or benign based on one or more of the following criteria: it is a conservative change, it occurs at a poorly conserved position in the protein, it is predicted to be benign by multiple in silico algorithms, and/or has population frequency not consistent with disease.

NM_001377.3(DYNC2H1):c.10326+267G>A

Gene: DYNC2H1 (dynein cytoplasmic 2 heavy chain 1; plus strand). Cytogenetic location: 11q22.3.
Variant type: single nucleotide variant.
Coding change: c.10326+267G>A on transcript NM_001377.3 (MANE Select); 267 bases into the intron after coding-DNA position 10326, G replaced by A.
Molecular consequence: intron variant.
Genome position (GRCh38, 1-based): chr11:103,255,801, G>A. VCF-style: chr11-103255801-G-A. GRCh37 (hg19) VCF-style: chr11-103126530-G-A.
Other names: c.10347+267G>A (NM_001080463.2).
Identifiers: ClinVar variation 667753 (VCV000667753.1), dbSNP rs599669, ClinGen allele CA227414720.